The following is an entry in ClinVar:

NM_022114.4(PRDM16):c.843C>G (p.His281Gln)

Gene: PRDM16 (PR/SET domain 16; plus strand). Cytogenetic location: 1p36.32.
Variant type: single nucleotide variant.
Coding change: c.843C>G on transcript NM_022114.4 (MANE Select); coding-DNA position 843, C replaced by G.
Protein change: p.His281Gln; replaces histidine 281 with glutamine.
Molecular consequence: missense variant.
Genome position (GRCh38, 1-based): chr1:3,402,957, C>G. VCF-style: chr1-3402957-C-G. GRCh37 (hg19) VCF-style: chr1-3319521-C-G.
Other names: c.843C>G, p.His281Gln (NM_199454.3); short protein forms H281Q.
Identifiers: ClinVar variation 657116 (VCV000657116.6), dbSNP rs201199516, ClinGen allele CA543974.

ClinVar aggregate classification (germline): Uncertain significance (1 of 4 stars; one submission).

Conditions:
Left ventricular noncompaction 8 (LVNC8). Identifiers: Orphanet 154, Orphanet 54260, MedGen C3809288, MONDO:0014152, OMIM 615373.

Allele frequency attached by ClinVar (database versions not stated): ESP Exome Variant Server 0.00008.
gnomAD v4.1: 31 of 1,612,194 alleles (0.0019%); highest among the groups gnomAD compares: Non-Finnish European, 0.0025%; no homozygotes.

Submission:

Labcorp Genetics (formerly Invitae), Labcorp
Classification: Uncertain significance for Left ventricular noncompaction 8. Last evaluated: 2025-12-21. Review status: criteria provided, single submitter. Criteria: Invitae Variant Classification Sherloc (09022015). Collection method: clinical testing. Allele origin: germline.
Comment: This sequence change replaces histidine, which is basic and polar, with glutamine, which is neutral and polar, at codon 281 of the PRDM16 protein (p.His281Gln). This variant is present in population databases (rs201199516, gnomAD 0.007%). This variant has not been reported in the literature in individuals affected with PRDM16-related conditions. ClinVar contains an entry for this variant (Variation ID: 657116). An algorithm developed to predict the effect of missense changes on protein structure and function (PolyPhen-2) suggests that this variant is likely to be tolerated. In summary, the available evidence is currently insufficient to determine the role of this variant in disease. Therefore, it has been classified as a Variant of Uncertain Significance.